The following is an entry in ClinVar:

ClinVar aggregate classification (germline): Pathogenic/Likely pathogenic. Review status: criteria provided, multiple submitters, no conflicts (2 of 4 stars). 6 submissions from 6 submitters: Pathogenic (4); Likely pathogenic (1). 1 of the submissions does not count toward it. Last evaluated 2025-07-30.

Conditions:
Hemochromatosis type 3 (HFE3). Also called: TFR2-Related Hemochromatosis; HEMOCHROMATOSIS DUE TO DEFECT IN TRANSFERRIN RECEPTOR 2; Hereditary hemochromatosis type 3. Identifiers: Orphanet 225123, MedGen C1858664, MONDO:0011417, OMIM 604250.
Hereditary hemochromatosis (HFE). Identifiers: MedGen C0392514, MONDO:0006507. Disease mechanism: loss of function.

Allele frequency attached by ClinVar (database versions not stated): gnomAD 0.00001 and below 0.00001; TOPMed below 0.00001; gnomAD exomes 0.00001 and 0.00002; ExAC 0.00002.
gnomAD v4.1: 10 of 1,613,984 alleles (0.00062%); highest among the groups gnomAD compares: South Asian, 0.0055%; no homozygotes.

Submissions (6):

Natera, Inc.
Classification: Pathogenic for Hereditary hemochromatosis type 3. Last evaluated: 2025-07-30. Review status: criteria provided, single submitter. Criteria: Natera Variant Classification Schema (03/2026). Collection method: clinical testing. Allele origin: germline.
Comment: The c.313C>T variant in TFR2 is a nonsense variant predicted to introduce a stop codon at amino acid 105. This variant is expected to result in nonsense mediated decay, truncation, or a dysfunctional protein product. This variant is rare in the general population with a frequency below the threshold expected for the associated phenotype(s). This variant has been observed to segregate in affected family members (PMID: 15147384). Given the available evidence, this variant is classified as Pathogenic.

Labcorp Genetics (formerly Invitae), Labcorp
Classification: Pathogenic for Hereditary hemochromatosis. Last evaluated: 2024-03-18. Review status: criteria provided, single submitter. Criteria: Invitae Variant Classification Sherloc (09022015). Collection method: clinical testing. Allele origin: germline.
Comment: This sequence change creates a premature translational stop signal (p.Arg105*) in the TFR2 gene. It is expected to result in an absent or disrupted protein product. Loss-of-function variants in TFR2 are known to be pathogenic (PMID: 23600741, 26029709). This variant is present in population databases (rs80338878, gnomAD 0.01%). This premature translational stop signal has been observed in individual(s) with hemochromatosis (PMID: 15147384). It has also been observed to segregate with disease in related individuals. ClinVar contains an entry for this variant (Variation ID: 21375). For these reasons, this variant has been classified as Pathogenic.

Baylor Genetics
Classification: Pathogenic for Hemochromatosis type 3. Last evaluated: 2023-11-14. Review status: criteria provided, single submitter. Criteria: ACMG Guidelines, 2015. Collection method: clinical testing. Allele origin: unknown.

Revvity Omics, Revvity
Classification: Likely pathogenic for Hemochromatosis type 3. Last evaluated: 2022-01-17. Review status: criteria provided, single submitter. Criteria: ACMG Guidelines, 2015. Collection method: clinical testing. Allele origin: germline.

Neuberg Centre For Genomic Medicine, NCGM
Classification: Pathogenic for Hemochromatosis type 3. Review status: criteria provided, single submitter. Criteria: ACMG Guidelines, 2015. Collection method: clinical testing. Allele origin: germline. Inheritance: Autosomal recessive inheritance. Affected: yes.

GeneReviews
No classification provided. Condition: Hemochromatosis type 3. Review status: no classification provided. Collection method: literature only. Allele origin: unknown. Not counted in ClinVar's aggregate classification.

Literature cited by the submitters: PubMed 15147384 (cited by 3 submitters); PubMed 23600741 (cited by Labcorp Genetics (formerly Invitae), Labcorp); PubMed 26029709 (cited by Labcorp Genetics (formerly Invitae), Labcorp); PubMed 20301523 (cited by GeneReviews); NCBI Bookshelf NBK1349 (cited by GeneReviews).

NM_003227.4(TFR2):c.313C>T (p.Arg105Ter)

Gene: TFR2 (transferrin receptor 2; minus strand). Cytogenetic location: 7q22.1.
Variant type: single nucleotide variant.
Coding change: c.313C>T on transcript NM_003227.4 (MANE Select); coding-DNA position 313, C replaced by T.
Protein change: p.Arg105Ter; replaces arginine 105 with a stop codon.
Molecular consequence: nonsense.
Genome position (GRCh38, 1-based): chr7:100,640,846, G>A on the plus strand (C>T on the coding strand, the complement: TFR2 is on the minus strand). VCF-style: chr7-100640846-G-A. GRCh37 (hg19) VCF-style: chr7-100238469-G-A.
Other names: short protein forms R105*.
Identifiers: ClinVar variation 21375 (VCV000021375.16), dbSNP rs80338878, ClinGen allele CA341991.